The following is an entry in ClinVar:

ClinVar aggregate classification (germline): Uncertain significance (1 of 4 stars; one submission).

Conditions:
Costello syndrome (CSTLO). Also called: HRAS-Related Costello Syndrome; FACIOCUTANEOSKELETAL SYNDROME; FCS SYNDROME. Identifiers: Orphanet 3071, MedGen C0587248, MONDO:0009026, OMIM 218040.

Allele frequency attached by ClinVar (database versions not stated): gnomAD exomes below 0.00001; ExAC 0.00002.
gnomAD v4.1: 2 of 1,613,412 alleles (0.00012%); highest among the groups gnomAD compares: South Asian, 0.0022%; no homozygotes.

Submission:

Labcorp Genetics (formerly Invitae), Labcorp
Classification: Uncertain significance for Costello syndrome. Last evaluated: 2022-05-12. Review status: criteria provided, single submitter. Criteria: Invitae Variant Classification Sherloc (09022015). Collection method: clinical testing. Allele origin: germline.
Comment: This sequence change replaces asparagine, which is neutral and polar, with aspartic acid, which is acidic and polar, at codon 85 of the HRAS protein (p.Asn85Asp). This variant is present in population databases (rs765074166, gnomAD 0.006%). This variant has not been reported in the literature in individuals affected with HRAS-related conditions. Advanced modeling of protein sequence and biophysical properties (such as structural, functional, and spatial information, amino acid conservation, physicochemical variation, residue mobility, and thermodynamic stability) performed at Invitae indicates that this missense variant is not expected to disrupt HRAS protein function. In summary, the available evidence is currently insufficient to determine the role of this variant in disease. Therefore, it has been classified as a Variant of Uncertain Significance.

NM_005343.4(HRAS):c.253A>G (p.Asn85Asp)

Genes: LRRC56 (leucine rich repeat containing 56; plus strand), HRAS (HRas proto-oncogene, GTPase; minus strand). Cytogenetic location: 11p15.5.
Variant type: single nucleotide variant.
Coding change: c.253A>G on transcript NM_005343.4 (MANE Select); coding-DNA position 253, A replaced by G.
Protein change: p.Asn85Asp; replaces asparagine 85 with aspartic acid.
Molecular consequence: missense variant. On other transcripts: 5 prime UTR variant (1).
Genome position (GRCh38, 1-based): chr11:533,803, T>C on the plus strand (A>G on the coding strand, the complement: HRAS is on the minus strand). VCF-style: chr11-533803-T-C. GRCh37 (hg19) VCF-style: chr11-533803-T-C.
Other names: c.253A>G, p.Asn85Asp (NM_001130442.3, NM_176795.5); c.-67A>G (NM_001318054.2); short protein forms N85D.
Identifiers: ClinVar variation 1993499 (VCV001993499.4), dbSNP rs765074166, ClinGen allele CA5779379.
Genomic context (GRCh38, chr11:533,803, plus strand): 5'-CGGGCCAGCCTCACGGGGTTCACCTGTACTGGTGGATGTCCTCAAAAGACTTGGTGTTGT[T>C]GATGGCAAACACACACAGGAAGCCCTCCCCGGTGCGCATGTACTGGTCCCGCATGGCGCT-3'
Protein context (NP_005334.1, residues 75-95): GEGFLCVFAI[Asn85Asp]NTKSFEDIHQ